The following is an entry in ClinVar:

NM_170707.4(LMNA):c.618C>G (p.Phe206Leu)

Gene: LMNA (lamin A/C; plus strand). Cytogenetic location: 1q22.
Variant type: single nucleotide variant.
Coding change: c.618C>G on transcript NM_170707.4 (MANE Select); coding-DNA position 618, C replaced by G.
Protein change: p.Phe206Leu; replaces phenylalanine 206 with leucine.
Molecular consequence: missense variant.
Genome position (GRCh38, 1-based): chr1:156,134,507, C>G. VCF-style: chr1-156134507-C-G. GRCh37 (hg19) VCF-style: chr1-156104298-C-G.
Other names: p.F206L:TTC>TTG; c.282C>G, p.Phe94Leu (NM_001257374.3); c.375C>G, p.Phe125Leu (NM_001282624.2); c.618C>G, p.Phe206Leu (NM_001282625.2, NM_001282626.2, NM_005572.4 and 1 more transcripts); short protein forms F206L, F125L, F94L.
Identifiers: ClinVar variation 66916 (VCV000066916.24), dbSNP rs267607629, ClinGen allele CA018318.
Genomic context (GRCh38, chr1:156,134,507, plus strand): 5'-GATGCTGCGGCGGGTGGATGCTGAGAACAGGCTGCAGACCATGAAGGAGGAACTGGACTT[C>G]CAGAAGAACATCTACAGTGAGGTGGGGACTGTGCTTTGCAAGCCAGAGGGCTGGGGCTGG-3'
Protein context (NP_733821.1, residues 196-216): RLQTMKEELD[Phe206Leu]QKNIYSEELR

ClinVar aggregate classification (germline): Conflicting classifications of pathogenicity. Review status: criteria provided, conflicting classifications (1 of 4 stars). 6 submissions from 6 submitters: Pathogenic (2); Likely pathogenic (2); Uncertain significance (1). 1 of the submissions does not count toward it. Last evaluated 2026-01-26.

Conditions:
Cardiovascular phenotype. Identifiers: MedGen CN230736.
Charcot-Marie-Tooth disease type 2. Also called: Charcot-Marie-Tooth type 2. Identifiers: Orphanet 64746, MedGen C0270914, MONDO:0018993.

Submissions (6):

Labcorp Genetics (formerly Invitae), Labcorp
Classification: Pathogenic for Charcot-Marie-Tooth disease type 2. Last evaluated: 2026-01-26. Review status: criteria provided, single submitter. Criteria: Invitae Variant Classification Sherloc (09022015). Collection method: clinical testing. Allele origin: germline.
Comment: This sequence change replaces phenylalanine, which is neutral and non-polar, with leucine, which is neutral and non-polar, at codon 206 of the LMNA protein (p.Phe206Leu). This variant is not present in population databases (gnomAD no frequency). This missense change has been observed in individuals with clinical features of autosomal dominant LMNA-related conditions (PMID: 20848652; internal data). ClinVar contains an entry for this variant (Variation ID: 66916). Invitae Evidence Modeling of protein sequence and biophysical properties (such as structural, functional, and spatial information, amino acid conservation, physicochemical variation, residue mobility, and thermodynamic stability) indicates that this missense variant is expected to disrupt LMNA protein function with a positive predictive value of 95%. For these reasons, this variant has been classified as Pathogenic.

Ambry Genetics
Classification: Pathogenic for Cardiovascular phenotype. Last evaluated: 2025-12-10. Review status: criteria provided, single submitter. Criteria: Ambry Variant Classification Scheme 2023. Collection method: clinical testing. Allele origin: germline.
Comment: The p.F206L pathogenic mutation (also known as c.618C>G), located in coding exon 3 of the LMNA gene, results from a C to G substitution at nucleotide position 618. The phenylalanine at codon 206 is replaced by leucine, an amino acid with highly similar properties. This variant has been detected in multiple individuals affected with laminopathy phenotypes, including limb-girdle muscular dystrophy (LGMD), dilated cardiomyopathy (DCM), and/or arrhythmias, and co-segregation has been reported in at least three families (Scharner J et al. Hum. Mutat., 2011 Feb;32:152-67; external communication). This amino acid position is highly conserved in available vertebrate species. In addition, this alteration is predicted to be deleterious by in silico analysis. This variant is considered to be rare based on population cohorts in the Genome Aggregation Database (gnomAD). Based on the supporting evidence, this variant is interpreted as a disease-causing mutation.

GeneDx
Classification: Likely pathogenic. Last evaluated: 2025-10-28. Review status: criteria provided, single submitter. Criteria: GeneDx Variant Classification Process June 2021. Collection method: clinical testing. Allele origin: germline. Affected: yes.
Comment: Not observed at significant frequency in large population cohorts (gnomAD); In silico analysis supports that this missense variant has a deleterious effect on protein structure/function; This variant is associated with the following publications: (PMID: 26659599, 35242549, 34862408, 30564623, 10939567, 38979608, 20848652)

Revvity Omics, Revvity
Classification: Likely pathogenic. Last evaluated: 2023-09-07. Review status: criteria provided, single submitter. Criteria: ACMG Guidelines, 2015. Collection method: clinical testing. Allele origin: germline.

Eurofins Ntd Llc (ga)
Classification: Uncertain significance. Last evaluated: 2016-12-22. Review status: criteria provided, single submitter. Criteria: EGL Classification Definitions 2015. Collection method: clinical testing. Allele origin: germline. Observed: 1 variant allele, 1 heterozygote.

Epithelial Biology;  Institute of Medical Biology, Singapore
No classification provided. Review status: no classification provided. Collection method: not provided. Allele origin: not provided. Not counted in ClinVar's aggregate classification.

Literature cited by the submitters: PubMed 20848652 (cited by Labcorp Genetics (formerly Invitae), Labcorp and Ambry Genetics); PubMed 26659599 (cited by Ambry Genetics); PubMed 28663758 (cited by Ambry Genetics).